The following is an entry in ClinVar:

ClinVar aggregate classification (germline): Uncertain significance (1 of 4 stars; one submission).

Conditions:
Fibrous dysplasia of jaw (CRBM). Also called: Cherubism. Identifiers: Orphanet 184, MedGen C0008029, MONDO:0007315, OMIM 118400.

Allele frequency attached by ClinVar (database versions not stated): TOPMed 0.00005; gnomAD 0.00006.
gnomAD v4.1: 44 of 1,606,898 alleles (0.0027%); highest among the groups gnomAD compares: Middle Eastern, 0.033%; no homozygotes.

Submission:

Labcorp Genetics (formerly Invitae), Labcorp
Classification: Uncertain significance for Fibrous dysplasia of jaw. Last evaluated: 2025-05-14. Review status: criteria provided, single submitter. Criteria: Invitae Variant Classification Sherloc (09022015). Collection method: clinical testing. Allele origin: germline.
Comment: This sequence change replaces arginine, which is basic and polar, with tryptophan, which is neutral and slightly polar, at codon 398 of the SH3BP2 protein (p.Arg398Trp). This variant is present in population databases (rs745563984, gnomAD 0.03%). This variant has not been reported in the literature in individuals affected with SH3BP2-related conditions. ClinVar contains an entry for this variant (Variation ID: 1001039). Invitae Evidence Modeling of protein sequence and biophysical properties (such as structural, functional, and spatial information, amino acid conservation, physicochemical variation, residue mobility, and thermodynamic stability) indicates that this missense variant is not expected to disrupt SH3BP2 protein function with a negative predictive value of 95%. In summary, the available evidence is currently insufficient to determine the role of this variant in disease. Therefore, it has been classified as a Variant of Uncertain Significance.

NM_001122681.2(SH3BP2):c.1192C>T (p.Arg398Trp)

Gene: SH3BP2 (SH3 domain binding protein 2; plus strand). Cytogenetic location: 4p16.3.
Variant type: single nucleotide variant.
Coding change: c.1192C>T on transcript NM_001122681.2 (MANE Select); coding-DNA position 1192, C replaced by T.
Protein change: p.Arg398Trp; replaces arginine 398 with tryptophan.
Molecular consequence: missense variant.
Genome position (GRCh38, 1-based): chr4:2,830,098, C>T. VCF-style: chr4-2830098-C-T. GRCh37 (hg19) VCF-style: chr4-2831825-C-T.
Other names: c.1276C>T, p.Arg426Trp (NM_001145855.2); c.1363C>T, p.Arg455Trp (NM_001145856.2); c.1192C>T, p.Arg398Trp (NM_003023.4); short protein forms R398W, R426W, R455W.
Identifiers: ClinVar variation 1001039 (VCV001001039.8), dbSNP rs745563984, ClinGen allele CA2819412.
Genomic context (GRCh38, chr4:2,830,098, plus strand): 5'-GTGCCCCCCGTGGCTCCCCGGCCTCCTGCGCTGAAGCTGCCAGTGCCTGAGGCCATGGCG[C>T]GGCCCGCAGTCCTGCCCAGGCCAGAGAAGCCGCAGCTCCCGCACCTCCAGTGAGTTTGTG-3'
Protein context (NP_001116153.1, residues 388-408): LKLPVPEAMA[Arg398Trp]PAVLPRPEKP